The following is an entry in ClinVar:

ClinVar aggregate classification (germline): Uncertain significance (1 of 4 stars; one submission).

gnomAD v4.1: 4 of 1,612,796 alleles (0.00025%); highest among the groups gnomAD compares: Non-Finnish European, 0.00034%; no homozygotes.

Submission:

GeneDx
Classification: Uncertain significance. Last evaluated: 2026-06-22. Review status: criteria provided, single submitter. Criteria: GeneDx Variant Classification Process June 2021. Collection method: clinical testing. Allele origin: germline.
Comment: Not observed at significant frequency in large population cohorts (gnomAD); In silico analysis supports that this missense variant has a deleterious effect on protein structure/function; Has not been previously published as pathogenic or benign to our knowledge

NM_001393769.1(MED12L):c.2912A>G (p.Tyr971Cys)

Genes: MED12L (mediator complex subunit 12L; plus strand), P2RY12 (purinergic receptor P2Y12; minus strand). Cytogenetic location: 3q25.1.
Variant type: single nucleotide variant.
Coding change: c.2912A>G on transcript NM_001393769.1 (MANE Select); coding-DNA position 2912, A replaced by G.
Protein change: p.Tyr971Cys; replaces tyrosine 971 with cysteine.
Molecular consequence: missense variant. On other transcripts: intron variant (1).
Genome position (GRCh38, 1-based): chr3:151,360,560, A>G. VCF-style: chr3-151360560-A-G. GRCh37 (hg19) VCF-style: chr3-151078348-A-G.
Other names: c.2807A>G, p.Tyr936Cys (NM_053002.6); c.-179-19800T>C (NM_022788.5); short protein forms Y936C, Y971C.
Identifiers: ClinVar variation 3384422 (VCV003384422.2).